The following is an entry in ClinVar:

ClinVar aggregate classification (germline): Uncertain significance. Review status: criteria provided, multiple submitters, no conflicts (2 of 4 stars). 2 submissions from 2 submitters: Uncertain significance (2). Last evaluated 2023-08-23.

Allele frequency attached by ClinVar (database versions not stated): gnomAD 0.00001; gnomAD exomes 0.00001 and 0.00002; TOPMed 0.00001.
gnomAD v4.1: 12 of 1,614,074 alleles (0.00074%); highest among the groups gnomAD compares: Non-Finnish European, 0.001%; no homozygotes.

Submissions (2):

Blueprint Genetics
Classification: Uncertain significance. Last evaluated: 2023-08-23. Review status: criteria provided, single submitter. Criteria: ACMG Guidelines, 2015. Collection method: clinical testing. Allele origin: germline.

Labcorp Genetics (formerly Invitae), Labcorp
Classification: Uncertain significance. Last evaluated: 2020-07-16. Review status: criteria provided, single submitter. Criteria: Invitae Variant Classification Sherloc (09022015). Collection method: clinical testing. Allele origin: germline.
Comment: Algorithms developed to predict the effect of missense changes on protein structure and function are either unavailable or do not agree on the potential impact of this missense change (SIFT: "Tolerated"; PolyPhen-2: "Possibly Damaging"; Align-GVGD: "Class C0"). In summary, the available evidence is currently insufficient to determine the role of this variant in disease. Therefore, it has been classified as a Variant of Uncertain Significance. This variant has not been reported in the literature in individuals with PCARE-related conditions. This variant is not present in population databases (ExAC no frequency). This sequence change replaces alanine with threonine at codon 625 of the PCARE protein (p.Ala625Thr). The alanine residue is moderately conserved and there is a small physicochemical difference between alanine and threonine.

NM_001029883.3(PCARE):c.1873G>A (p.Ala625Thr)

Gene: PCARE (photoreceptor cilium actin regulator; minus strand). Cytogenetic location: 2p23.2.
Variant type: single nucleotide variant.
Coding change: c.1873G>A on transcript NM_001029883.3 (MANE Select); coding-DNA position 1873, G replaced by A.
Protein change: p.Ala625Thr; replaces alanine 625 with threonine.
Molecular consequence: missense variant.
Genome position (GRCh38, 1-based): chr2:29,072,389, C>T on the plus strand (G>A on the coding strand, the complement: PCARE is on the minus strand). VCF-style: chr2-29072389-C-T. GRCh37 (hg19) VCF-style: chr2-29295255-C-T.
Other names: short protein forms A625T.
Identifiers: ClinVar variation 1056072 (VCV001056072.9), dbSNP rs1329370221, ClinGen allele CA346478727.